The following is an entry in ClinVar:

NM_031407.7(HUWE1):c.137T>G (p.Ile46Ser)

Gene: HUWE1 (HECT, UBA and WWE domain containing E3 ubiquitin protein ligase 1; minus strand). Cytogenetic location: Xp11.22.
Variant type: single nucleotide variant.
Coding change: c.137T>G on transcript NM_031407.7 (MANE Select); coding-DNA position 137, T replaced by G.
Protein change: p.Ile46Ser; replaces isoleucine 46 with serine.
Molecular consequence: missense variant.
Genome position (GRCh38, 1-based): chrX:53,648,219, A>C on the plus strand (T>G on the coding strand, the complement: HUWE1 is on the minus strand). VCF-style: chrX-53648219-A-C. GRCh37 (hg19) VCF-style: chrX-53675162-A-C.
Other names: short protein forms I46S.
Identifiers: ClinVar variation 1723511 (VCV001723511.2), dbSNP rs2528956684, ClinGen allele CA413167520.

ClinVar aggregate classification (germline): Uncertain significance (1 of 4 stars; one submission).

Submission:

GeneDx
Classification: Uncertain significance. Last evaluated: 2022-05-10. Review status: criteria provided, single submitter. Criteria: GeneDx Variant Classification Process June 2021. Collection method: clinical testing. Allele origin: germline. Affected: yes.
Comment: Not observed at significant frequency in large population cohorts (gnomAD); In silico analysis supports that this missense variant has a deleterious effect on protein structure/function; Has not been previously published as pathogenic or benign to our knowledge